The following is an entry in ClinVar:

ClinVar aggregate classification (germline): Uncertain significance (1 of 4 stars; one submission).

Conditions:
Joubert syndrome. Also called: Familial aplasia of the vermis; JOUBERT-BOLTSHAUSER SYNDROME. Identifiers: Orphanet 475, MedGen C5979921, MONDO:0018772.
Meckel-Gruber syndrome. Also called: Dysencephalia splachnocystica; DYSENCEPHALIA SPLANCHNOCYSTICA; GRUBER SYNDROME. Identifiers: Orphanet 564, MedGen C0265215, MONDO:0018921.

Allele frequency attached by ClinVar (database versions not stated): gnomAD exomes 0.00001; gnomAD 0.00002.
gnomAD v4.1: 23 of 1,550,426 alleles (0.0015%); highest among the groups gnomAD compares: East Asian, 0.0097%; no homozygotes.

Submission:

Labcorp Genetics (formerly Invitae), Labcorp
Classification: Uncertain significance for Joubert syndrome; Meckel-Gruber syndrome. Last evaluated: 2022-05-12. Review status: criteria provided, single submitter. Criteria: Invitae Variant Classification Sherloc (09022015). Collection method: clinical testing. Allele origin: germline.
Comment: This sequence change replaces arginine, which is basic and polar, with glutamine, which is neutral and polar, at codon 950 of the CC2D2A protein (p.Arg950Gln). The frequency data for this variant in the population databases is considered unreliable, as metrics indicate poor data quality at this position in the gnomAD database. This variant has not been reported in the literature in individuals affected with CC2D2A-related conditions. Algorithms developed to predict the effect of missense changes on protein structure and function output the following: SIFT: "Tolerated"; PolyPhen-2: "Benign"; Align-GVGD: "Class C0". The glutamine amino acid residue is found in multiple mammalian species, which suggests that this missense change does not adversely affect protein function. In summary, the available evidence is currently insufficient to determine the role of this variant in disease. Therefore, it has been classified as a Variant of Uncertain Significance.

NM_001378615.1(CC2D2A):c.2849G>A (p.Arg950Gln)

Genes: CC2D2A (coiled-coil and C2 domain containing 2A; plus strand), FBXL5 (F-box and leucine rich repeat protein 5; minus strand). Cytogenetic location: 4p15.32.
Variant type: single nucleotide variant.
Coding change: c.2849G>A on transcript NM_001378615.1 (MANE Select); coding-DNA position 2849, G replaced by A.
Protein change: p.Arg950Gln; replaces arginine 950 with glutamine.
Molecular consequence: missense variant.
Genome position (GRCh38, 1-based): chr4:15,559,184, G>A. VCF-style: chr4-15559184-G-A. GRCh37 (hg19) VCF-style: chr4-15560807-G-A.
Other names: c.2849G>A, p.Arg950Gln (NM_001080522.2); c.2702G>A, p.Arg901Gln (NM_001378617.1); short protein forms R901Q, R950Q.
Identifiers: ClinVar variation 1898577 (VCV001898577.2), dbSNP rs769392158, ClinGen allele CA2864024.